The following is an entry in ClinVar:

NM_172362.3(KCNH1):c.1032+4C>T

Gene: KCNH1 (potassium voltage-gated channel subfamily H member 1; minus strand). Cytogenetic location: 1q32.2.
Variant type: single nucleotide variant.
Coding change: c.1032+4C>T on transcript NM_172362.3 (MANE Select); 4 bases into the intron after coding-DNA position 1032, C replaced by T.
Molecular consequence: intron variant.
Genome position (GRCh38, 1-based): chr1:211,018,779, G>A on the plus strand (C>T on the coding strand, the complement: KCNH1 is on the minus strand). VCF-style: chr1-211018779-G-A. GRCh37 (hg19) VCF-style: chr1-211192121-G-A.
Other names: c.951+85C>T (NM_002238.4).
Identifiers: ClinVar variation 2808537 (VCV002808537.3), dbSNP rs766805459, ClinGen allele CA1379935.

ClinVar aggregate classification (germline): Uncertain significance (1 of 4 stars; one submission).

Allele frequency attached by ClinVar (database versions not stated): TOPMed below 0.00001; ExAC 0.00001; gnomAD 0.00001; gnomAD exomes 0.00001.
gnomAD v4.1: 9 of 1,590,564 alleles (0.00057%); highest among the groups gnomAD compares: Non-Finnish European, 0.00069%; no homozygotes.

Submission:

Labcorp Genetics (formerly Invitae), Labcorp
Classification: Uncertain significance. Last evaluated: 2024-11-05. Review status: criteria provided, single submitter. Criteria: Invitae Variant Classification Sherloc (09022015). Collection method: clinical testing. Allele origin: germline.
Comment: This sequence change falls in intron 6 of the KCNH1 gene. It does not directly change the encoded amino acid sequence of the KCNH1 protein. It affects a nucleotide within the consensus splice site. This variant is present in population databases (rs766805459, gnomAD 0.0009%). This variant has not been reported in the literature in individuals affected with KCNH1-related conditions. ClinVar contains an entry for this variant (Variation ID: 2808537). Variants that disrupt the consensus splice site are a relatively common cause of aberrant splicing (PMID: 17576681, 9536098). Algorithms developed to predict the effect of sequence changes on RNA splicing suggest that this variant is not likely to affect RNA splicing. In summary, the available evidence is currently insufficient to determine the role of this variant in disease. Therefore, it has been classified as a Variant of Uncertain Significance.

Literature cited by the submitters: PubMed 17576681; PubMed 9536098.